The following is an entry in ClinVar:

NM_004329.3(BMPR1A):c.1171dup (p.Thr391fs)

Gene: BMPR1A (bone morphogenetic protein receptor type 1A; plus strand). Cytogenetic location: 10q23.2.
Variant type: Duplication.
Coding change: c.1171dup on transcript NM_004329.3 (MANE Select); coding-DNA position 1171, one base duplicated (A; older notation c.1171dupA).
Protein change: p.Thr391fs; shifts the reading frame from threonine 391.
Molecular consequence: frameshift variant.
Genome position (GRCh38, 1-based): chr10:86,921,524, A duplicated. VCF-style (leftmost placement, unchanged base first): chr10-86921523-C-CA. GRCh37 (hg19) VCF-style: chr10-88681280-C-CA.
Other names: c.1171dup, p.Thr391Asnfs (NM_001406563.1, NM_001406564.1, NM_001406565.1 and 19 more transcripts); c.1246dup, p.Thr416Asnfs (NM_001406559.1); c.1219dup, p.Thr407Asnfs (NM_001406560.1); c.1165dup, p.Thr389Asnfs (NM_001406583.1); c.1087dup, p.Thr363Asnfs (NM_001406584.1, NM_001406585.1, NM_001406586.1 and 2 more transcripts); c.829dup, p.Thr277Asnfs (NM_001406589.1); short protein forms T391fs.
Identifiers: ClinVar variation 2087232 (VCV002087232.4), dbSNP rs2539635370, ClinGen allele CA2580082130.
Genomic context (GRCh38, chr10:86,921,523, plus strand): 5'-AGATAAACTATTTTATTTTTGGCCCTCAACTTGGACCTTGGCTTTCTTTTGTTTCAGTGA[C>CA]ACAAATGAAGTTGATGTGCCCTTGAATACCAGGGTGGGCACCAAACGCTACATGGCTCCC-3'

ClinVar aggregate classification (germline): Pathogenic (1 of 4 stars; one submission).

Conditions:
Juvenile polyposis syndrome (JPS). Identifiers: Orphanet 2929, MedGen C0345893, MONDO:0017380, OMIM 174900.

Submission:

Labcorp Genetics (formerly Invitae), Labcorp
Classification: Pathogenic for Juvenile polyposis syndrome. Last evaluated: 2022-04-05. Review status: criteria provided, single submitter. Criteria: Invitae Variant Classification Sherloc (09022015). Collection method: clinical testing. Allele origin: germline.
Comment: This variant has not been reported in the literature in individuals affected with BMPR1A-related conditions. This variant is not present in population databases (gnomAD no frequency). This sequence change creates a premature translational stop signal (p.Thr391Asnfs*3) in the BMPR1A gene. It is expected to result in an absent or disrupted protein product. Loss-of-function variants in BMPR1A are known to be pathogenic (PMID: 11536076, 12417513). For these reasons, this variant has been classified as Pathogenic.

Literature cited by the submitters: PubMed 11536076; PubMed 12417513.